The following is an entry in ClinVar:

NM_014283.5(SUCO):c.2500C>T (p.Pro834Ser)

Gene: SUCO (SUN domain containing ossification factor; plus strand). Cytogenetic location: 1q24.3.
Variant type: single nucleotide variant.
Coding change: c.2500C>T on transcript NM_014283.5 (MANE Select); coding-DNA position 2500, C replaced by T.
Protein change: p.Pro834Ser; replaces proline 834 with serine.
Molecular consequence: missense variant. On other transcripts: intron variant (1).
Genome position (GRCh38, 1-based): chr1:172,589,601, C>T. VCF-style: chr1-172589601-C-T. GRCh37 (hg19) VCF-style: chr1-172558741-C-T.
Other names: c.811C>T, p.Pro271Ser (NM_001282751.2); c.2953C>T, p.Pro985Ser (NM_016227.4); c.1712+677C>T (NM_001282750.2); short protein forms P985S, P271S, P834S.
Identifiers: ClinVar variation 3802869 (VCV003802869.2).

ClinVar aggregate classification (germline): Uncertain significance. Review status: criteria provided, multiple submitters, no conflicts (2 of 4 stars). 2 submissions from 2 submitters: Uncertain significance (2). Last evaluated 2025-04-17.

Submissions (2):

Labcorp Genetics (formerly Invitae), Labcorp
Classification: Uncertain significance. Last evaluated: 2025-04-17. Review status: criteria provided, single submitter. Criteria: Invitae Variant Classification Sherloc (09022015). Collection method: clinical testing. Allele origin: germline.
Comment: This sequence change replaces proline, which is neutral and non-polar, with serine, which is neutral and polar, at codon 834 of the SUCO protein (p.Pro834Ser). This variant is present in population databases (no rsID available, gnomAD 0.003%). This variant has not been reported in the literature in individuals affected with SUCO-related conditions. An algorithm developed to predict the effect of missense changes on protein structure and function outputs the following: PolyPhen-2: "Benign". The serine amino acid residue is found in multiple mammalian species, which suggests that this missense change does not adversely affect protein function. In summary, the available evidence is currently insufficient to determine the role of this variant in disease. Therefore, it has been classified as a Variant of Uncertain Significance.

Ambry Genetics
Classification: Uncertain significance. Last evaluated: 2025-02-13. Review status: criteria provided, single submitter. Criteria: Ambry Variant Classification Scheme 2023. Collection method: clinical testing. Allele origin: germline.